The following is an entry in ClinVar:

NM_002529.4(NTRK1):c.1077C>G (p.Tyr359Ter)

Gene: NTRK1 (neurotrophic receptor tyrosine kinase 1; plus strand). Cytogenetic location: 1q23.1.
Variant type: single nucleotide variant.
Coding change: c.1077C>G on transcript NM_002529.4 (MANE Select); coding-DNA position 1077, C replaced by G.
Protein change: p.Tyr359Ter; replaces tyrosine 359 with a stop codon.
Molecular consequence: nonsense.
Genome position (GRCh38, 1-based): chr1:156,873,859, C>G. VCF-style: chr1-156873859-C-G. GRCh37 (hg19) VCF-style: chr1-156843651-C-G.
Other names: c.1077C>G, p.Tyr359Ter (NM_001007204.1, NM_001012331.2); c.987C>G, p.Tyr329Ter (NM_001007792.1); short protein forms Y329*, Y359*.
Identifiers: ClinVar variation 1709464 (VCV001709464.2), dbSNP rs1057521034, ClinGen allele CA342936139.
Genomic context (GRCh38, chr1:156,873,859, plus strand): 5'-GACCGTGCGGCACGGGTGTCTGCGCCTCAACCAGCCCACCCACGTCAACAACGGCAACTA[C>G]ACGCTGCTGGCTGCCAACCCCTTCGGCCAGGCCTCCGCCTCCATCATGGCTGCCTTCATG-3'

ClinVar aggregate classification (germline): Likely pathogenic (1 of 4 stars; one submission).

Conditions:
Hereditary insensitivity to pain with anhidrosis (CIPA). Also called: HSAN Type IV; hereditary sensory and autonomic neuropathy type 4; INSENSITIVITY TO PAIN, CONGENITAL, WITH ANHIDROSIS; FAMILIAL DYSAUTONOMIA, TYPE II; NEUROPATHY, CONGENITAL SENSORY, WITH ANHIDROSIS; NTRK1 Congenital Insensitivity to Pain with Anhidrosis. Identifiers: Orphanet 642, MedGen C0020074, MONDO:0009746, OMIM 256800.

Submission:

MGZ Medical Genetics Center
Classification: Likely pathogenic for Hereditary insensitivity to pain with anhidrosis. Last evaluated: 2021-08-26. Review status: criteria provided, single submitter. Criteria: ACMG Guidelines, 2015. Collection method: clinical testing. Allele origin: germline. Affected: yes. Observed: 1 variant allele.
Comment: ACMG criteria applied: PVS1, PM2_SUP